The following is an entry in ClinVar:

ClinVar aggregate classification (germline): Likely benign. Review status: criteria provided, multiple submitters, no conflicts (2 of 4 stars). 2 submissions from 2 submitters: Likely benign (2). Last evaluated 2025-04-09.

Conditions:
Oculofaciocardiodental syndrome (MCOPS2). Identifiers: Orphanet 2712, MedGen C1846265, MONDO:0010261, OMIM 300166.
BCOR-related disorder. Also called: BCOR-related disorders; BCOR-related condition.

Allele frequency attached by ClinVar (database versions not stated): gnomAD exomes below 0.00001; gnomAD 0.00001; TOPMed 0.00002.
gnomAD v4.1: 2 of 1,209,719 alleles (0.00017%); highest among the groups gnomAD compares: Admixed American, 0.0022%; no homozygotes.

Submissions (2):

PreventionGenetics, part of Exact Sciences
Classification: Likely benign for BCOR-related condition. Last evaluated: 2025-04-09. Review status: criteria provided, single submitter. Criteria: ACMG Guidelines, 2015. Collection method: clinical testing. Allele origin: germline.
Comment: This variant is classified as likely benign based on ACMG/AMP sequence variant interpretation guidelines (Richards et al. 2015 PMID: 25741868, with internal and published modifications).

Labcorp Genetics (formerly Invitae), Labcorp
Classification: Likely benign for Oculofaciocardiodental syndrome. Last evaluated: 2022-02-04. Review status: criteria provided, single submitter. Criteria: Invitae Variant Classification Sherloc (09022015). Collection method: clinical testing. Allele origin: germline.

NM_001123385.2(BCOR):c.4644A>G (p.Leu1548=)

Gene: BCOR (BCL6 corepressor; minus strand). Cytogenetic location: Xp11.4.
Variant type: single nucleotide variant.
Coding change: c.4644A>G on transcript NM_001123385.2 (MANE Select); coding-DNA position 4644, A replaced by G.
Protein change: p.Leu1548=; no amino-acid change (leucine 1548 retained).
Molecular consequence: synonymous variant.
Genome position (GRCh38, 1-based): chrX:40,055,465, T>C on the plus strand (A>G on the coding strand, the complement: BCOR is on the minus strand). VCF-style: chrX-40055465-T-C. GRCh37 (hg19) VCF-style: chrX-39914718-T-C.
Other names: c.4488A>G, p.Leu1496= (NM_001123384.2); c.4542A>G, p.Leu1514= (NM_017745.6, NM_001123383.2).
Identifiers: ClinVar variation 2140513 (VCV002140513.5), dbSNP rs1934545067, ClinGen allele CA515964723.